The following is an entry in ClinVar:

ClinVar aggregate classification (germline): Uncertain significance (1 of 4 stars; one submission).

Submission:

Labcorp Genetics (formerly Invitae), Labcorp
Classification: Uncertain significance. Last evaluated: 2025-10-10. Review status: criteria provided, single submitter. Criteria: Invitae Variant Classification Sherloc (09022015). Collection method: clinical testing. Allele origin: germline.
Comment: This sequence change replaces methionine, which is neutral and non-polar, with leucine, which is neutral and non-polar, at codon 368 of the CACNA1E protein (p.Met368Leu). This variant is not present in population databases (gnomAD no frequency). This variant has not been reported in the literature in individuals affected with CACNA1E-related conditions. Invitae Evidence Modeling of protein sequence and biophysical properties (such as structural, functional, and spatial information, amino acid conservation, physicochemical variation, residue mobility, and thermodynamic stability) has been performed for this missense variant. However, the output from this modeling did not meet the statistical confidence thresholds required to predict the impact of this variant on CACNA1E protein function. In summary, the available evidence is currently insufficient to determine the role of this variant in disease. Therefore, it has been classified as a Variant of Uncertain Significance.

NM_001205293.3(CACNA1E):c.1102A>C (p.Met368Leu)

Gene: CACNA1E (calcium voltage-gated channel subunit alpha1 E; plus strand). Cytogenetic location: 1q25.3.
Variant type: single nucleotide variant.
Coding change: c.1102A>C on transcript NM_001205293.3 (MANE Select); coding-DNA position 1102, A replaced by C.
Protein change: p.Met368Leu; replaces methionine 368 with leucine.
Molecular consequence: missense variant.
Genome position (GRCh38, 1-based): chr1:181,711,000, A>C. VCF-style: chr1-181711000-A-C. GRCh37 (hg19) VCF-style: chr1-181680136-A-C.
Other names: c.1102A>C, p.Met368Leu (NM_000721.4, NM_001205294.2); short protein forms M368L.
Identifiers: ClinVar variation 4774863 (VCV004774863.1).